The following is an entry in ClinVar:

NM_001348323.3(TRIP12):c.4223A>C (p.Gln1408Pro)

Gene: TRIP12 (thyroid hormone receptor interactor 12; minus strand). Cytogenetic location: 2q36.3.
Variant type: single nucleotide variant.
Coding change: c.4223A>C on transcript NM_001348323.3 (MANE Select); coding-DNA position 4223, A replaced by C.
Protein change: p.Gln1408Pro; replaces glutamine 1408 with proline.
Molecular consequence: missense variant.
Genome position (GRCh38, 1-based): chr2:229,792,058, T>G on the plus strand (A>C on the coding strand, the complement: TRIP12 is on the minus strand). VCF-style: chr2-229792058-T-G. GRCh37 (hg19) VCF-style: chr2-230656774-T-G.
Other names: c.3188A>C, p.Gln1063Pro (NM_001284216.2); c.4142A>C, p.Gln1381Pro (NM_001348315.2, NM_001284214.2); c.4097A>C, p.Gln1366Pro (NM_001348316.2, NM_001284215.2); c.4082A>C, p.Gln1361Pro (NM_001348317.1, NM_001348318.2); c.4208A>C, p.Gln1403Pro (NM_001348319.1, NM_001348320.2); c.4211A>C, p.Gln1404Pro (NM_001348321.1); c.4223A>C, p.Gln1408Pro (NM_001348322.1, NM_001348324.2, NM_001348325.2 and 2 more transcripts); c.4226A>C, p.Gln1409Pro (NM_001348328.1, NM_001348329.2, NM_001348330.2); and 4 more; short protein forms Q1063P, Q1333P, Q1334P, Q1361P, Q1366P, Q1374P, Q1381P, Q1382P.
Identifiers: ClinVar variation 3026594 (VCV003026594.22), dbSNP rs2471180913, ClinGen allele CA350900678.

ClinVar aggregate classification (germline): Uncertain significance (1 of 4 stars; one submission).

Submission:

CeGaT Center for Human Genetics Tuebingen
Classification: Uncertain significance. Last evaluated: 2023-12-01. Review status: criteria provided, single submitter. Criteria: CeGaT Center For Human Genetics Tuebingen Variant Classification Criteria Version 2. Collection method: clinical testing. Allele origin: germline. Affected: yes. Observed: 1 variant allele.
Comment: TRIP12: PM2, BP5